The following is an entry in ClinVar:

ClinVar aggregate classification (germline): Uncertain significance (1 of 4 stars; one submission).

Conditions:
Mucopolysaccharidosis, MPS-IV-B (MPS4B). Also called: MORQUIO SYNDROME B; Mucopolysaccharidosis Type IVB (Morquio B Disease); Mucopolysaccharidosis type 4B; Mucopolysaccharidosis type IVB (Morquio); MPS IVB; Mucopolysaccharidosis type IV B. Identifiers: Orphanet 309310, Orphanet 582, MedGen C0086652, MONDO:0009660, OMIM 253010.
GM1 gangliosidosis. Identifiers: Orphanet 354, MedGen C0085131, MONDO:0018149.

Allele frequency attached by ClinVar (database versions not stated): gnomAD 0.00001 and 0.00005; TOPMed 0.00001.
gnomAD v4.1: 15 of 1,614,178 alleles (0.00093%); highest among the groups gnomAD compares: Admixed American, 0.015%; 1 homozygote.

Submission:

Labcorp Genetics (formerly Invitae), Labcorp
Classification: Uncertain significance for Mucopolysaccharidosis, MPS-IV-B; GM1 gangliosidosis. Last evaluated: 2023-12-22. Review status: criteria provided, single submitter. Criteria: Invitae Variant Classification Sherloc (09022015). Collection method: clinical testing. Allele origin: germline.
Comment: This sequence change replaces serine, which is neutral and polar, with threonine, which is neutral and polar, at codon 99 of the GLB1 protein (p.Ser99Thr). This variant is not present in population databases (gnomAD no frequency). This variant has not been reported in the literature in individuals affected with GLB1-related conditions. ClinVar contains an entry for this variant (Variation ID: 1368937). Algorithms developed to predict the effect of missense changes on protein structure and function output the following: SIFT: "Not Available"; PolyPhen-2: "Benign"; Align-GVGD: "Not Available". The threonine amino acid residue is found in multiple mammalian species, which suggests that this missense change does not adversely affect protein function. In summary, the available evidence is currently insufficient to determine the role of this variant in disease. Therefore, it has been classified as a Variant of Uncertain Significance.

NM_000404.4(GLB1):c.295T>A (p.Ser99Thr)

Gene: GLB1 (galactosidase beta 1; minus strand). Cytogenetic location: 3p22.3.
Variant type: single nucleotide variant.
Coding change: c.295T>A on transcript NM_000404.4 (MANE Select); coding-DNA position 295, T replaced by A.
Protein change: p.Ser99Thr; replaces serine 99 with threonine.
Molecular consequence: missense variant. On other transcripts: intron variant (1).
Genome position (GRCh38, 1-based): chr3:33,068,921, A>T on the plus strand (T>A on the coding strand, the complement: GLB1 is on the minus strand). VCF-style: chr3-33068921-A-T. GRCh37 (hg19) VCF-style: chr3-33110413-A-T.
Other names: c.205T>A, p.Ser69Thr (NM_001079811.3); c.439T>A, p.Ser147Thr (NM_001317040.2); c.295T>A, p.Ser99Thr (NM_001393580.1); c.246-3364T>A (NM_001135602.3); short protein forms S69T, S99T, S147T.
Identifiers: ClinVar variation 1368937 (VCV001368937.5), dbSNP rs968429427, ClinGen allele CA72670937.
Genomic context (GRCh38, chr3:33,068,921, plus strand): 5'-TAACCAGCAGTCCCAGCTCATGAGCCAGCCGAAGAAAATATTCCACATCATGGTCCTCAG[A>T]AAACTGGTACTGTCCTGGCCAGGGCTCATGAAAGTTCCAGGGCACATACCTGCCAAGACA-3'
Protein context (NP_000395.3, residues 89-109): HEPWPGQYQF[Ser99Thr]EDHDVEYFLR